The following is an entry in ClinVar:

ClinVar aggregate classification (germline): Uncertain significance. Review status: criteria provided, single submitter (1 of 4 stars). 2 submissions from 2 submitters: Uncertain significance (1). 1 of the submissions does not count toward it. Last evaluated 2024-08-19.

Conditions:
Autosomal recessive nonsyndromic hearing loss 1A (DFNB1A). Also called: GJB6-Related DFNB 1 Nonsyndromic Hearing Loss and Deafness; Deafness, autosomal recessive 1A; Connexin 26 deafness; Deafness nonsyndromic, Connexin 26 linked; GJB2-Related Autosomal Recessive Nonsyndromic Hearing Loss; Nonsyndromic Hearing Loss and Deafness, DFNB1. Identifiers: Orphanet 90636, MedGen C2673759, MONDO:0009076, OMIM 220290.

Allele frequency attached by ClinVar (database versions not stated): gnomAD exomes below 0.00001.
gnomAD v4.1: 4 of 1,614,014 alleles (0.00025%); highest among the groups gnomAD compares: Non-Finnish European, 0.00034%; no homozygotes.

Submissions (2):

Women's Health and Genetics/Laboratory Corporation of America, LabCorp
Classification: Uncertain significance. Last evaluated: 2024-08-19. Review status: criteria provided, single submitter. Criteria: LabCorp Variant Classification Summary - May 2015. Collection method: clinical testing. Allele origin: germline.
Comment: Variant summary: GJB2 c.278T>C (p.Met93Thr) results in a non-conservative amino acid change located in the Connexin, N-terminal domain (IPR013092) of the encoded protein sequence. Four of five in-silico tools predict a damaging effect of the variant on protein function. The variant allele was found at a frequency of 4e-06 in 251230 control chromosomes. The available data on variant occurrences in the general population are insufficient to allow any conclusion about variant significance. c.278T>C has been reported in the literature in the simple heterozygous state in at least 1 individual affected with Autosomal Recessive Non-Syndromic Hearing Loss (example, Putcha_2007), however this is an insufficient genotype for the reported inheritance pattern. These report(s) do not provide unequivocal conclusions about association of the variant with Autosomal Recessive Non-Syndromic Hearing Loss. To our knowledge, no experimental evidence demonstrating an impact on protein function has been reported. The following publication has been ascertained in the context of this evaluation (PMID: 17666888). ClinVar contains an entry for this variant (Variation ID: 551851). Based on the evidence outlined above, the variant was classified as uncertain significance.

Counsyl
Classification: Uncertain significance for Autosomal recessive nonsyndromic hearing loss 1A. Last evaluated: 2017-05-09. Review status: no assertion criteria provided. Collection method: clinical testing. Allele origin: unknown. Not counted in ClinVar's aggregate classification.

Literature cited by the submitters: PubMed 17666888 (cited by Women's Health and Genetics/Laboratory Corporation of America, LabCorp and Counsyl).

NM_004004.6(GJB2):c.278T>C (p.Met93Thr)

Gene: GJB2 (gap junction protein beta 2; minus strand). Cytogenetic location: 13q12.11.
Variant type: single nucleotide variant.
Coding change: c.278T>C on transcript NM_004004.6 (MANE Select); coding-DNA position 278, T replaced by C.
Protein change: p.Met93Thr; replaces methionine 93 with threonine.
Molecular consequence: missense variant.
Genome position (GRCh38, 1-based): chr13:20,189,304, A>G on the plus strand (T>C on the coding strand, the complement: GJB2 is on the minus strand). VCF-style: chr13-20189304-A-G. GRCh37 (hg19) VCF-style: chr13-20763443-A-G.
Other names: short protein forms M93T.
Identifiers: ClinVar variation 551851 (VCV000551851.3), dbSNP rs1461894310, ClinGen allele CA387461488.
Genomic context (GRCh38, chr13:20,189,304, plus strand): 5'-CTCTTTATCTCCCCCTTGATGAACTTCCTCTTCTTCTCATGTCTCCGGTAGGCCACGTGC[A>G]TGGCCACTAGGAGCGCTGGCGTGGACACGAAGATCAGCTGCAGGGCCCATAGCCGGATGT-3'
Protein context (NP_003995.2, residues 83-103): FVSTPALLVA[Met93Thr]HVAYRRHEKK